The following is an entry in ClinVar:

ClinVar aggregate classification (germline): Pathogenic. Review status: criteria provided, multiple submitters, no conflicts (2 of 4 stars). 2 submissions from 2 submitters: Pathogenic (2). Last evaluated 2024-06-07.

Conditions:
Mucopolysaccharidosis, MPS-II (MPS2). Also called: Mucopolysaccharidosis type 2; Hunter Syndrome; IDURONATE 2-SULFATASE DEFICIENCY; Mucopolysaccharidosis Type II; IDS deficiency; Sulfoiduronate sulfatase deficiency. Identifiers: Orphanet 580, Orphanet 79388, MedGen C0026705, MONDO:0010674, OMIM 309900.

Submissions (2):

Laboratory of Diagnosis and Therapy of Lysosomal Disorders, University of Padova
Classification: Pathogenic for Mucopolysaccharidosis, MPS-II. Last evaluated: 2024-06-07. Review status: criteria provided, single submitter. Criteria: ACMG Guidelines, 2015. Collection method: literature only. Allele origin: germline. Affected: yes. Observed: 2 variant alleles.
Comment: Null variant (PVS1_VeryStrong), Absent from controls (or at low frequency) in gnomAD database (PM2_Moderate), Patient’s phenotype or family history highly specific for the disease (PP4_Moderate)

Classification method: ACMG Guidelines [PMID:25741868] with modifications

Department of Medical Genetics, Sanjay Gandhi Post Graduate Institute of Medical Sciences
Classification: Pathogenic for Mucopolysaccharidosis, MPS-II. Review status: criteria provided, single submitter. Criteria: ACMG Guidelines, 2015. Collection method: clinical testing. Allele origin: maternal. Inheritance: X-linked recessive inheritance. Affected: yes. Observed: 1 variant allele, 1 hemizygote.

Literature cited by the submitters: PubMed 35144014 (cited by Laboratory of Diagnosis and Therapy of Lysosomal Disorders, University of Padova); PubMed 29671225 (cited by Laboratory of Diagnosis and Therapy of Lysosomal Disorders, University of Padova).

NM_000202.8(IDS):c.57del (p.Val20fs)

Genes: IDS (iduronate 2-sulfatase; minus strand), LOC130068781 (ATAC-STARR-seq lymphoblastoid active region 30015; plus strand). Cytogenetic location: Xq28.
Variant type: Deletion.
Coding change: c.57del on transcript NM_000202.8 (MANE Select); coding-DNA position 57, one base deleted (C; older notation c.57delC).
Protein change: p.Val20fs; shifts the reading frame from valine 20.
Molecular consequence: frameshift variant. On other transcripts: 5 prime UTR variant (1), non-coding transcript variant (1).
Genome position (GRCh38, 1-based): chrX:149,505,081, G deleted on the plus strand (C on the coding strand, the reverse complement: IDS is on the minus strand); the first of 2 consecutive G bases (chrX:149,505,081-149,505,082); deleting either gives the same sequence. VCF-style (leftmost placement, unchanged base first): chrX-149505080-CG-C. GRCh37 (hg19) VCF-style: chrX-148586610-CG-C.
Other names: c.-170del (NM_001166550.4); c.57del, p.Val20fs (NM_006123.5); short protein forms V20fs.
Identifiers: ClinVar variation 997092 (VCV000997092.3), dbSNP rs2124069318, ClinGen allele CA2499226406.